The following is an entry in ClinVar:

ClinVar aggregate classification (germline): Benign/Likely benign. Review status: criteria provided, multiple submitters, no conflicts (2 of 4 stars). 3 submissions from 3 submitters: Benign (1); Likely benign (1). 1 of the submissions does not count toward it. Last evaluated 2024-11-20.

Conditions:
Polycystic kidney disease, adult type (PKD1). Also called: POLYCYSTIC KIDNEY DISEASE, ADULT, TYPE I; Polycystic Kidney Disease 1, Autosomal Dominant; Polycystic kidney disease 1; Polycystic kidney disease 1, severe; Polycystic Kidney, Autosomal Dominant; POLYCYSTIC KIDNEY DISEASE 1 WITH OR WITHOUT POLYCYSTIC LIVER DISEASE. Identifiers: MedGen C3149841, MONDO:0008263, OMIM 173900.
Polycystic kidney disease. Also called: Kidney, Polycystic; Polycystic kidney dysplasia. Identifiers: MedGen C0022680, MeSH D007690, MONDO:0020642, HP:0000113.

Allele frequency attached by ClinVar (database versions not stated): gnomAD exomes 0.00009 and 0.00061; gnomAD 0.00031 and 0.00046; ExAC 0.00032; 1000 Genomes Project 0.00040; TOPMed 0.00042; 1000 Genomes Project 30x 0.00328.
gnomAD v4.1: 194 of 1,378,046 alleles (0.014%); highest among the groups gnomAD compares: East Asian, 0.53%; 2 homozygotes.

Submissions (3):

Blueprint Genetics
Classification: Likely benign. Last evaluated: 2024-11-20. Review status: criteria provided, single submitter. Criteria: ACMG Guidelines, 2015. Collection method: clinical testing. Allele origin: germline.

ARUP Laboratories, Molecular Genetics and Genomics, ARUP Laboratories
Classification: Benign for Polycystic kidney disease, adult type. Last evaluated: 2019-01-07. Review status: criteria provided, single submitter. Criteria: ARUP Molecular Germline Variant Investigation Process. Collection method: clinical testing. Allele origin: germline.

Department of Pathology and Laboratory Medicine, Sinai Health System
Classification: Likely benign for Polycystic Kidney disease. Review status: no assertion criteria provided. Collection method: clinical testing. Allele origin: unknown. Affected: yes. Study: The Canadian Open Genetics Repository (COGR). Not counted in ClinVar's aggregate classification.
Comment: The PKD1 p.Ser3884= variant was not identified in the literature nor was it identified in the ClinVar, LOVD 3.0, or PKD1-LOVD databases. The variant was identified in dbSNP (ID: rs377436997) as â€šÃ„ÃºWith Uncertain significance alleleâ€šÃ„Ã¹, and ADPKD Mutation Database (classified likely neutral). The variant was identified in control databases in 52 (2 homozygous) of 67022 chromosomes at a frequency of 0.0008 (Genome Aggregation Database Feb 27, 2017). The variant was observed in the following populations: Other in 1 of 1998 chromosomes (freq: 0.0005), East Asian in 51 (2 homozygous) of 3682 chromosomes (freq: 0.01) while not observed in the African, Latino, European Non-Finnish, Ashkenazi Jewish, Finnish, and South Asian populations. The p.Ser3884= variant is not expected to have clinical significance because it does not result in a change of amino acid and is not located in a known consensus splice site. In addition, in silico or computational prediction software programs (SpliceSiteFinder, MaxEntScan, NNSPLICE, GeneSplicer) do not predict a difference in splicing. In summary, based on the above information the clinical significance of this variant cannot be determined with certainty at this time although we would lean towards a more benign role for this variant. This variant is classified as likely benign.

NM_001009944.3(PKD1):c.11652C>T (p.Ser3884=)

Genes: PKD1-AS1 (PKD1 antisense RNA 1; plus strand), PKD1 (polycystin 1, transient receptor potential channel interacting; minus strand). Cytogenetic location: 16p13.3.
Variant type: single nucleotide variant.
Coding change: c.11652C>T on transcript NM_001009944.3 (MANE Select); coding-DNA position 11652, C replaced by T.
Protein change: p.Ser3884=; no amino-acid change (serine 3884 retained).
Molecular consequence: synonymous variant. On other transcripts: non-coding transcript variant (1).
Genome position (GRCh38, 1-based): chr16:2,091,483, G>A on the plus strand (C>T on the coding strand, the complement: PKD1 is on the minus strand). VCF-style: chr16-2091483-G-A. GRCh37 (hg19) VCF-style: chr16-2141484-G-A.
Other names: c.11649C>T, p.Ser3883= (NM_000296.4).
Identifiers: ClinVar variation 434004 (VCV000434004.12), dbSNP rs377436997, ClinGen allele CA7829019.